The following is an entry in ClinVar:

ClinVar aggregate classification (germline): Uncertain significance. Review status: criteria provided, multiple submitters, no conflicts (2 of 4 stars). 3 submissions from 3 submitters: Uncertain significance (3). Last evaluated 2025-06-10.

Conditions:
Inborn genetic diseases. Identifiers: MedGen C0950123, MeSH D030342.

Allele frequency attached by ClinVar (database versions not stated): gnomAD 0.00001; gnomAD exomes 0.00003 and 0.00007; TOPMed 0.00005; ExAC 0.00006.
gnomAD v4.1: 20 of 1,613,658 alleles (0.0012%); highest among the groups gnomAD compares: Admixed American, 0.033%; no homozygotes.

Submissions (3):

Women's Health and Genetics/Laboratory Corporation of America, LabCorp
Classification: Uncertain significance. Last evaluated: 2025-06-10. Review status: criteria provided, single submitter. Criteria: LabCorp Variant Classification Summary - May 2015. Collection method: clinical testing. Allele origin: germline.
Comment: Variant summary: NDUFV1 c.1262G>T (p.Gly421Val) results in a non-conservative amino acid change in the encoded protein sequence. Algorithms developed to predict the effect of missense changes on protein structure and function all suggest that this variant is likely to be disruptive. The variant allele was found at a frequency of 7.2e-05 in 251326 control chromosomes. This frequency is not significantly higher than estimated for a pathogenic variant in NDUFV1 causing Leigh Syndrome (7.2e-05 vs 0.0013), allowing no conclusion about variant significance. To our knowledge, no occurrence of c.1262G>T in individuals affected with Leigh Syndrome and no experimental evidence demonstrating its impact on protein function have been reported. ClinVar contains an entry for this variant (Variation ID: 1403135). Based on the evidence outlined above, the variant was classified as uncertain significance.

Ambry Genetics
Classification: Uncertain significance for Inborn genetic diseases. Last evaluated: 2023-12-18. Review status: criteria provided, single submitter. Criteria: Ambry Variant Classification Scheme 2023. Collection method: clinical testing. Allele origin: germline.

Labcorp Genetics (formerly Invitae), Labcorp
Classification: Uncertain significance. Last evaluated: 2022-08-23. Review status: criteria provided, single submitter. Criteria: Invitae Variant Classification Sherloc (09022015). Collection method: clinical testing. Allele origin: germline.
Comment: This sequence change replaces glycine, which is neutral and non-polar, with valine, which is neutral and non-polar, at codon 421 of the NDUFV1 protein (p.Gly421Val). This variant is present in population databases (rs779420018, gnomAD 0.05%). This variant has not been reported in the literature in individuals affected with NDUFV1-related conditions. ClinVar contains an entry for this variant (Variation ID: 1403135). Advanced modeling of protein sequence and biophysical properties (such as structural, functional, and spatial information, amino acid conservation, physicochemical variation, residue mobility, and thermodynamic stability) performed at Invitae indicates that this missense variant is expected to disrupt NDUFV1 protein function. In summary, the available evidence is currently insufficient to determine the role of this variant in disease. Therefore, it has been classified as a Variant of Uncertain Significance.

NM_007103.4(NDUFV1):c.1262G>T (p.Gly421Val)

Genes: NDUFV1 (NADH:ubiquinone oxidoreductase core subunit V1; plus strand), LOC126861242 (CDK7 strongly-dependent group 2 enhancer GRCh37_chr11:67379204-67380403; plus strand). Cytogenetic location: 11q13.2.
Variant type: single nucleotide variant.
Coding change: c.1262G>T on transcript NM_007103.4 (MANE Select); coding-DNA position 1262, G replaced by T.
Protein change: p.Gly421Val; replaces glycine 421 with valine.
Molecular consequence: missense variant.
Genome position (GRCh38, 1-based): chr11:67,612,219, G>T. VCF-style: chr11-67612219-G-T. GRCh37 (hg19) VCF-style: chr11-67379690-G-T.
Other names: c.1235G>T, p.Gly412Val (NM_001166102.2); c.1262G>T (NM_007103.3); short protein forms G421V, G412V.
Identifiers: ClinVar variation 1403135 (VCV001403135.5), dbSNP rs779420018, ClinGen allele CA6143463.